The following is an entry in ClinVar:

NM_005560.6(LAMA5):c.7664G>A (p.Arg2555Gln)

Gene: LAMA5 (laminin subunit alpha 5; minus strand). Cytogenetic location: 20q13.33.
Variant type: single nucleotide variant.
Coding change: c.7664G>A on transcript NM_005560.6 (MANE Select); coding-DNA position 7664, G replaced by A.
Protein change: p.Arg2555Gln; replaces arginine 2555 with glutamine.
Molecular consequence: missense variant.
Genome position (GRCh38, 1-based): chr20:62,316,763, C>T on the plus strand (G>A on the coding strand, the complement: LAMA5 is on the minus strand). VCF-style: chr20-62316763-C-T. GRCh37 (hg19) VCF-style: chr20-60891819-C-T.
Other names: c.7664G>A (NM_005560.4); short protein forms R2555Q.
Identifiers: ClinVar variation 2462036 (VCV002462036.4), dbSNP rs759017891, ClinGen allele CA9941087.

ClinVar aggregate classification (germline): Conflicting classifications of pathogenicity. Review status: criteria provided, conflicting classifications (1 of 4 stars). 3 submissions from 3 submitters: Uncertain significance (2); Likely benign (1). Last evaluated 2025-05-23.

Conditions:
LAMA5-related disorder. Also called: LAMA5-related condition; LAMA5-Related Disorders.
Inborn genetic diseases. Identifiers: MedGen C0950123, MeSH D030342.

Allele frequency attached by ClinVar (database versions not stated): ExAC 0.00003; gnomAD exomes 0.00003; gnomAD 0.00004.
gnomAD v4.1: 52 of 1,605,380 alleles (0.0032%); highest among the groups gnomAD compares: East Asian, 0.0067%; no homozygotes.

Submissions (3):

Labcorp Genetics (formerly Invitae), Labcorp
Classification: Uncertain significance. Last evaluated: 2025-05-23. Review status: criteria provided, single submitter. Criteria: Invitae Variant Classification Sherloc (09022015). Collection method: clinical testing. Allele origin: germline.
Comment: This sequence change replaces arginine, which is basic and polar, with glutamine, which is neutral and polar, at codon 2555 of the LAMA5 protein (p.Arg2555Gln). This variant is present in population databases (rs759017891, gnomAD 0.008%). This variant has not been reported in the literature in individuals affected with LAMA5-related conditions. ClinVar contains an entry for this variant (Variation ID: 2462036). Invitae Evidence Modeling of protein sequence and biophysical properties (such as structural, functional, and spatial information, amino acid conservation, physicochemical variation, residue mobility, and thermodynamic stability) indicates that this missense variant is not expected to disrupt LAMA5 protein function with a negative predictive value of 80%. In summary, the available evidence is currently insufficient to determine the role of this variant in disease. Therefore, it has been classified as a Variant of Uncertain Significance.

Ambry Genetics
Classification: Likely benign for Inborn genetic diseases. Last evaluated: 2023-02-13. Review status: criteria provided, single submitter. Criteria: Ambry Variant Classification Scheme 2023. Collection method: clinical testing. Allele origin: germline.

PreventionGenetics, part of Exact Sciences
Classification: Uncertain significance for LAMA5-related condition. Last evaluated: 2023-01-19. Review status: criteria provided, single submitter. Criteria: ACMG Guidelines, 2015. Collection method: clinical testing. Allele origin: germline.
Comment: The LAMA5 c.7664G>A variant is predicted to result in the amino acid substitution p.Arg2555Gln. To our knowledge, this variant has not been reported in the literature. This variant is reported in 0.0081% of alleles in individuals of European (Non-Finnish) descent in gnomAD. At this time, the clinical significance of this variant is uncertain due to the absence of conclusive functional and genetic evidence.